The following is an entry in ClinVar:

ClinVar aggregate classification (germline): Likely pathogenic (1 of 4 stars; one submission).

Conditions:
Familial X-linked hypophosphatemic vitamin D refractory rickets (XLHRD). Also called: X-Linked Hypophosphatemia; Hypophosphatemic Rickets, X-Linked Dominant; HYPOPHOSPHATEMIC VITAMIN D-RESISTANT RICKETS; Hypophosphatemia, vitamin D-resistant rickets; Vitamin D-resistant rickets, X-linked. Identifiers: Orphanet 89936, MedGen C0733682, MONDO:0010619, OMIM 307800.

Submission:

Institute of Human Genetics, University of Leipzig Medical Center
Classification: Likely pathogenic for Familial X-linked hypophosphatemic vitamin D refractory rickets. Last evaluated: 2023-10-27. Review status: criteria provided, single submitter. Criteria: ACMG Guidelines, 2015. Collection method: clinical testing. Allele origin: de novo. Inheritance: X-linked dominant inheritance. Affected: yes.
Comment: Criteria applied: PVS1(RNA),PS2_MOD,PM2,PP4; aberrant splicing confirmed by RNA analysis: r.[2070_2071ins2070+523_2070+599, 2070_2071ins2070+1_2070+599]

NM_000444.6(PHEX):c.2070+601C>T

Genes: PHEX (phosphate regulating endopeptidase X-linked; plus strand), PTCHD1-AS (PTCHD1 and PHEX antisense RNA; minus strand). Cytogenetic location: Xp22.11.
Variant type: single nucleotide variant.
Coding change: c.2070+601C>T on transcript NM_000444.6 (MANE Select); 601 bases into the intron after coding-DNA position 2070, C replaced by T.
Molecular consequence: intron variant.
Genome position (GRCh38, 1-based): chrX:22,228,212, C>T. VCF-style: chrX-22228212-C-T. GRCh37 (hg19) VCF-style: chrX-22246329-C-T.
Other names: c.2070+601C>T (NM_001282754.2).
Identifiers: ClinVar variation 3359149 (VCV003359149.2).